The following is an entry in ClinVar:

NM_001184880.2(PCDH19):c.226C>T (p.Pro76Ser)

Gene: PCDH19 (protocadherin 19; minus strand). Cytogenetic location: Xq22.1.
Variant type: single nucleotide variant.
Coding change: c.226C>T on transcript NM_001184880.2 (MANE Select); coding-DNA position 226, C replaced by T.
Protein change: p.Pro76Ser; replaces proline 76 with serine.
Molecular consequence: missense variant.
Genome position (GRCh38, 1-based): chrX:100,408,372, G>A on the plus strand (C>T on the coding strand, the complement: PCDH19 is on the minus strand). VCF-style: chrX-100408372-G-A. GRCh37 (hg19) VCF-style: chrX-99663370-G-A.
Other names: c.226C>T, p.Pro76Ser (NM_001105243.2, NM_020766.3); short protein forms P76S.
Identifiers: ClinVar variation 3704936 (VCV003704936.2).

ClinVar aggregate classification (germline): Uncertain significance (1 of 4 stars; one submission).

Conditions:
Developmental and epileptic encephalopathy, 9 (DEE9). Also called: EPILEPSY, FEMALE-RESTRICTED, WITH MENTAL RETARDATION; JUBERG-HELLMAN SYNDROME; Early infantile epileptic encephalopathy 9; PCDH19-Related X-Linked Female-Limited Epilepsy with Mental Retardation. Identifiers: Orphanet 101039, Orphanet 2076, MedGen C1848137, MONDO:0010246, OMIM 300088. Disease mechanism: loss of function.

gnomAD v4.1: 19 of 1,207,830 alleles (0.0016%); highest among the groups gnomAD compares: Non-Finnish European, 0.0021%; no homozygotes.

Submission:

Labcorp Genetics (formerly Invitae), Labcorp
Classification: Uncertain significance for Developmental and epileptic encephalopathy, 9. Last evaluated: 2024-11-25. Review status: criteria provided, single submitter. Criteria: Invitae Variant Classification Sherloc (09022015). Collection method: clinical testing. Allele origin: germline.
Comment: This sequence change replaces proline, which is neutral and non-polar, with serine, which is neutral and polar, at codon 76 of the PCDH19 protein (p.Pro76Ser). The frequency data for this variant in the population databases is considered unreliable, as metrics indicate poor data quality at this position in the gnomAD database. This variant has not been reported in the literature in individuals affected with PCDH19-related conditions. Invitae Evidence Modeling of protein sequence and biophysical properties (such as structural, functional, and spatial information, amino acid conservation, physicochemical variation, residue mobility, and thermodynamic stability) indicates that this missense variant is not expected to disrupt PCDH19 protein function with a negative predictive value of 95%. In summary, the available evidence is currently insufficient to determine the role of this variant in disease. Therefore, it has been classified as a Variant of Uncertain Significance.